The following is an entry in ClinVar:

NM_000128.4(F11):c.547A>T (p.Lys183Ter)

Gene: F11 (coagulation factor XI; plus strand). Cytogenetic location: 4q35.2.
Variant type: single nucleotide variant.
Coding change: c.547A>T on transcript NM_000128.4 (MANE Select); coding-DNA position 547, A replaced by T.
Protein change: p.Lys183Ter; replaces lysine 183 with a stop codon.
Molecular consequence: nonsense. On other transcripts: intron variant (4).
Genome position (GRCh38, 1-based): chr4:186,275,848, A>T. VCF-style: chr4-186275848-A-T. GRCh37 (hg19) VCF-style: chr4-187197002-A-T.
Other names: c.547A>T, p.Lys183Ter (NM_001440590.1, NM_001440593.1, NM_001440596.1); c.485+1573A>T (NM_001440605.1, NM_001440607.1, NM_001440606.1 and 1 more transcripts); short protein forms K183*.
Identifiers: ClinVar variation 5015453 (VCV005015453.1).

ClinVar aggregate classification (germline): Pathogenic (1 of 4 stars; one submission).

Conditions:
Hereditary factor XI deficiency disease. Also called: PLASMA THROMBOPLASTIN ANTECEDENT DEFICIENCY; PTA DEFICIENCY; ROSENTHAL SYNDROME; Congenital factor XI deficiency. Identifiers: Orphanet 329, MedGen C0015523, MeSH D005173, MONDO:0012897, OMIM 612416.

Submission:

Myriad Genetics, Inc.
Classification: Pathogenic for Hereditary factor XI deficiency disease. Last evaluated: 2026-01-20. Review status: criteria provided, single submitter. Criteria: Myriad Autosomal Dominant, Autosomal Recessive and X-Linked Classification Criteria (2023). Collection method: clinical testing. Allele origin: unknown.
Comment: NM_000128.3(F11):c.547A>T(K183*) is expected to be pathogenic in the context of factor XI deficiency. This variant is predicted to lead to an abnormal or absent protein product due to the creation of a premature termination codon in F11, a gene where loss-of-function variants are known to be pathogenic. Please note: this variant was assessed in the context of healthy population screening.